The following is an entry in ClinVar:

NM_001367823.1(ARHGEF18):c.3884_3885delinsTT (p.Pro1295Leu)

Gene: ARHGEF18 (Rho/Rac guanine nucleotide exchange factor 18; plus strand). Cytogenetic location: 19p13.2.
Variant type: Indel.
Coding change: c.3884_3885delinsTT on transcript NM_001367823.1 (MANE Select); coding-DNA positions 3884 to 3885, CC replaced by TT.
Protein change: p.Pro1295Leu; replaces proline 1295 with leucine.
Molecular consequence: missense variant.
Genome position (GRCh38, 1-based): chr19:7,470,000-7,470,001, CC replaced by TT. VCF-style: chr19-7470000-CC-TT. GRCh37 (hg19) VCF-style: chr19-7534886-CC-TT.
Other names: c.3158_3159delinsTT, p.Pro1053Leu (NM_001130955.2); c.2846_2847delinsTT, p.Pro949Leu (NM_001367824.1, NM_015318.4); short protein forms P949L, P1053L, P1295L.
Identifiers: ClinVar variation 1936115 (VCV001936115.3), dbSNP rs2512359433, ClinGen allele CA2580097144.
Genomic context (GRCh38, chr19:7,470,000, plus strand): 5'-AGCTCATGGGGAAAGATGAGAGCACCTCACGGAACCGCCGCTCGCTGAGCCCTATCCTGC[CC>TT]GGCAGACACAGTCCTGCGCCCCCACCAGGTGAGCCCCCACCCCCTGACATGAGCCCAGTC-3'
Protein context (NP_001354752.1, residues 1285-1305): RNRRSLSPIL[Pro1295Leu]GRHSPAPPPD

ClinVar aggregate classification (germline): Uncertain significance (1 of 4 stars; one submission).

Submission:

Labcorp Genetics (formerly Invitae), Labcorp
Classification: Uncertain significance. Last evaluated: 2022-07-30. Review status: criteria provided, single submitter. Criteria: Invitae Variant Classification Sherloc (09022015). Collection method: clinical testing. Allele origin: germline.
Comment: Algorithms developed to predict the effect of missense changes on protein structure and function are either unavailable or do not agree on the potential impact of this missense change (SIFT: "Not Available"; PolyPhen-2: "Benign"; Align-GVGD: "Not Available"). In summary, the available evidence is currently insufficient to determine the role of this variant in disease. Therefore, it has been classified as a Variant of Uncertain Significance. This variant has not been reported in the literature in individuals affected with ARHGEF18-related conditions. The frequency data for this variant in the population databases is considered unreliable, as metrics indicate poor data quality at this position in the gnomAD database. This sequence change replaces proline, which is neutral and non-polar, with leucine, which is neutral and non-polar, at codon 1107 of the ARHGEF18 protein (p.Pro1107Leu).